The following is an entry in ClinVar:

NM_173076.3(ABCA12):c.*26G>A

Genes: ABCA12 (ATP binding cassette subfamily A member 12; minus strand), SNHG31 (small nucleolar RNA host gene 31; plus strand). Cytogenetic location: 2q35.
Variant type: single nucleotide variant.
Coding change: c.*26G>A on transcript NM_173076.3 (MANE Select); 26 bases downstream of the stop codon, G replaced by A.
Molecular consequence: 3 prime UTR variant. On other transcripts: non-coding transcript variant (1).
Genome position (GRCh38, 1-based): chr2:214,932,608, C>T on the plus strand (G>A on the coding strand, the complement: ABCA12 is on the minus strand). VCF-style: chr2-214932608-C-T. GRCh37 (hg19) VCF-style: chr2-215797332-C-T.
Other names: c.*26G>A (NM_015657.4).
Identifiers: ClinVar variation 334218 (VCV000334218.12), dbSNP rs17426207, ClinGen allele CA2090548.

ClinVar aggregate classification (germline): Benign. Review status: criteria provided, multiple submitters, no conflicts (2 of 4 stars). 5 submissions from 4 submitters: Benign (5). Last evaluated 2021-07-14.

Conditions:
Congenital ichthyosis of skin. Identifiers: MedGen C0020758.
Autosomal recessive congenital ichthyosis 4A (LI2). Also called: ICHTHYOSIS CONGENITA IIB. Identifiers: Orphanet 313, MedGen C1832550, MONDO:0011026, OMIM 601277.
Autosomal recessive congenital ichthyosis 4B (ARCI4B). Also called: ICHTHYOSIS CONGENITA, HARLEQUIN FETUS TYPE; HARLEQUIN ICHTHYOSIS; Harlequin Fetus; Ichthyosis, congenital, autosomal recessive 4B (harlequin). Identifiers: Orphanet 457, MedGen C0598226, MONDO:0009443, OMIM 242500.

Allele frequency attached by ClinVar (database versions not stated): 1000 Genomes Project 30x 0.39756; gnomAD 0.39913 and 0.39585; ExAC 0.43135; gnomAD exomes 0.42112 and 0.40953; ESP Exome Variant Server 0.38736; 1000 Genomes Project 0.39816; TOPMed 0.39207.
gnomAD v4.1: 622,466 of 1,524,524 alleles (41%); highest among the groups gnomAD compares: South Asian, 53%; 128,955 homozygotes.

Submissions (5):

Genome-Nilou Lab
Classification: Benign for Autosomal recessive congenital ichthyosis 4A. Last evaluated: 2021-07-14. Review status: criteria provided, single submitter. Criteria: ACMG Guidelines, 2015. Collection method: clinical testing. Allele origin: germline. Affected: no.

Genome-Nilou Lab
Classification: Benign for Autosomal recessive congenital ichthyosis 4B. Last evaluated: 2021-07-14. Review status: criteria provided, single submitter. Criteria: ACMG Guidelines, 2015. Collection method: clinical testing. Allele origin: germline. Affected: no.

Illumina Laboratory Services, Illumina
Classification: Benign for Congenital ichthyosis of skin. Last evaluated: 2018-01-13. Review status: criteria provided, single submitter. Criteria: ICSL Variant Classification Criteria 13 December 2019. Collection method: clinical testing. Allele origin: germline.
Comment: This variant was observed in the ICSL laboratory as part of a predisposition screen in an ostensibly healthy population. It had not been previously curated by ICSL or reported in the Human Gene Mutation Database (HGMD: prior to June 1st, 2018), and was therefore a candidate for classification through an automated scoring system. Utilizing variant allele frequency, disease prevalence and penetrance estimates, and inheritance mode, an automated score was calculated to assess if this variant is too frequent to cause the disease. Based on the score and internal cut-off values, a variant classified as benign is not then subjected to further curation. The score for this variant resulted in a classification of benign for this disease.

GeneDx
Classification: Benign. Last evaluated: 2015-03-03. Review status: criteria provided, single submitter. Criteria: GeneDx Variant Classification Process June 2021. Collection method: clinical testing. Allele origin: germline. Affected: yes.

Breakthrough Genomics
Classification: Benign. Review status: criteria provided, single submitter. Criteria: ACMG Guidelines, 2015. Collection method: not provided. Allele origin: germline. Inheritance: Autosomal recessive inheritance. Affected: yes.